The following is an entry in ClinVar:

NM_004304.5(ALK):c.4860_*12del (p.Ter1621LeuextTer?)

Gene: ALK (ALK receptor tyrosine kinase; minus strand). Cytogenetic location: 2p23.2.
Variant type: Deletion.
Coding change: c.4860_*12del on transcript NM_004304.5 (MANE Select); coding-DNA position 4860 through 12 bases downstream of the stop codon, 16 bases deleted (CTGAGCTCGGTCGCAC).
Protein change: p.Ter1621LeuextTer?.
Molecular consequence: frameshift variant.
Genome position (GRCh38, 1-based): chr2:29,193,212-29,193,227, GTGCGACCGAGCTCAG deleted on the plus strand (CTGAGCTCGGTCGCAC on the coding strand, the reverse complement: ALK is on the minus strand); deleting any 16 consecutive bases within chr2:29,193,212-29,193,228 gives the same sequence; the c. name uses the placement nearest the transcript's 3' end. VCF-style (leftmost placement, unchanged base first): chr2-29193211-TGTGCGACCGAGCTCAG-T. GRCh37 (hg19) VCF-style: chr2-29416077-TGTGCGACCGAGCTCAG-T.
Other names: c.1656_*12del, p.Ter553LeuextTer? (NM_001353765.2); c.4860_*12del16 (NM_004304.4).
Identifiers: ClinVar variation 947158 (VCV000947158.9), dbSNP rs1456617295, ClinGen allele CA767494313.

ClinVar aggregate classification (germline): Uncertain significance. Review status: criteria provided, multiple submitters, no conflicts (2 of 4 stars). 3 submissions from 3 submitters: Uncertain significance (3). Last evaluated 2025-12-08.

Conditions:
Neuroblastoma, susceptibility to, 3. Also called: ALK-Related Neuroblastic Tumor Susceptibility. Identifiers: Orphanet 635, MedGen C2751681, MONDO:0013083, OMIM 613014.
Hereditary cancer-predisposing syndrome. Also called: Neoplastic Syndromes, Hereditary; Hereditary neoplastic syndrome; Hereditary Cancer Syndrome; Tumor predisposition. Identifiers: Orphanet 140162, MedGen C0027672, MeSH D009386, MONDO:0015356.

Submissions (3):

Labcorp Genetics (formerly Invitae), Labcorp
Classification: Uncertain significance for Neuroblastoma, susceptibility to, 3. Last evaluated: 2025-12-08. Review status: criteria provided, single submitter. Criteria: Invitae Variant Classification Sherloc (09022015). Collection method: clinical testing. Allele origin: germline.
Comment: This sequence change disrupts the translational stop signal of the ALK mRNA. It is expected to extend the length of the ALK protein by 8 additional amino acid residues. This variant is not present in population databases (gnomAD no frequency). This variant has not been reported in the literature in individuals affected with ALK-related conditions. ClinVar contains an entry for this variant (Variation ID: 947158). Experimental studies and prediction algorithms are not available or were not evaluated, and the functional significance of this variant is currently unknown. In summary, the available evidence is currently insufficient to determine the role of this variant in disease. Therefore, it has been classified as a Variant of Uncertain Significance.

Ambry Genetics
Classification: Uncertain significance for Hereditary cancer-predisposing syndrome. Last evaluated: 2024-12-20. Review status: criteria provided, single submitter. Criteria: Ambry Variant Classification Scheme 2023. Collection method: clinical testing. Allele origin: germline.
Comment: The c.4860_*12del16 variant (also known as p.*1621Lext*8), located in coding exon 29 of the ALK gene, results from a deletion of 16 nucleotides at positions 4860 to *12. This alteration disrupts the stop codon of the ALK gene and is predicted to preserve the native sequence while resulting in the elongation of the protein by 8 amino acids (LTSLPWDP). The exact functional effect of the additional amino acids is unknown. Based on the available evidence, the clinical significance of this variant remains unclear.

GeneDx
Classification: Uncertain significance. Last evaluated: 2023-04-28. Review status: criteria provided, single submitter. Criteria: GeneDx Variant Classification Process June 2021. Collection method: clinical testing. Allele origin: germline. Affected: yes.
Comment: Not observed at significant frequency in large population cohorts (gnomAD); Normal stop codon changed to a leucine codon, leading to the addition of 8 amino acids at the C-terminus; Has not been previously published as pathogenic or benign to our knowledge